The following is an entry in ClinVar:

NM_016343.4(CENPF):c.1699C>G (p.Arg567Gly)

Gene: CENPF (centromere protein F; plus strand). Cytogenetic location: 1q41.
Variant type: single nucleotide variant.
Coding change: c.1699C>G on transcript NM_016343.4 (MANE Select); coding-DNA position 1699, C replaced by G.
Protein change: p.Arg567Gly; replaces arginine 567 with glycine.
Molecular consequence: missense variant.
Genome position (GRCh38, 1-based): chr1:214,640,037, C>G. VCF-style: chr1-214640037-C-G. GRCh37 (hg19) VCF-style: chr1-214813380-C-G.
Other names: short protein forms R567G.
Identifiers: ClinVar variation 2429595 (VCV002429595.1), dbSNP rs767542466, ClinGen allele CA344818385.

ClinVar aggregate classification (germline): Uncertain significance (1 of 4 stars; one submission).

Allele frequency attached by ClinVar (database versions not stated): TOPMed below 0.00001; gnomAD 0.00001.
gnomAD v4.1: 1 of 1,602,058 alleles (0.000062%); highest among the groups gnomAD compares: African/African-American, 0.0014%; no homozygotes.

Submission:

GeneDx
Classification: Uncertain significance. Last evaluated: 2022-08-10. Review status: criteria provided, single submitter. Criteria: GeneDx Variant Classification Process June 2021. Collection method: clinical testing. Allele origin: germline. Affected: yes.
Comment: Not observed at significant frequency in large population cohorts (gnomAD); In silico analysis supports that this missense variant has a deleterious effect on protein structure/function; Has not been previously published as pathogenic or benign to our knowledge